The following is an entry in ClinVar:

NM_014000.3(VCL):c.2924G>T (p.Arg975Leu)

Gene: VCL (vinculin; plus strand). Cytogenetic location: 10q22.2.
Variant type: single nucleotide variant.
Coding change: c.2924G>T on transcript NM_014000.3 (MANE Select); coding-DNA position 2924, G replaced by T.
Protein change: p.Arg975Leu; replaces arginine 975 with leucine.
Molecular consequence: missense variant. On other transcripts: intron variant (1).
Genome position (GRCh38, 1-based): chr10:74,112,087, G>T. VCF-style: chr10-74112087-G-T. GRCh37 (hg19) VCF-style: chr10-75871845-G-T.
Other names: c.2924G>T (NM_014000.2); c.2746-2097G>T (NM_003373.4); short protein forms R975L.
Identifiers: ClinVar variation 1515621 (VCV001515621.5), dbSNP rs767325003, ClinGen allele CA5563342.

ClinVar aggregate classification (germline): Uncertain significance. Review status: criteria provided, multiple submitters, no conflicts (2 of 4 stars). 2 submissions from 2 submitters: Uncertain significance (2). Last evaluated 2026-04-30.

Conditions:
Cardiovascular phenotype. Identifiers: MedGen CN230736.
Dilated cardiomyopathy 1W (CMD1W). Identifiers: Orphanet 154, MedGen C1969639, MONDO:0012667, OMIM 611407.

gnomAD v4.1: 4 of 1,614,162 alleles (0.00025%); highest among the groups gnomAD compares: South Asian, 0.0044%; no homozygotes.

Submissions (2):

Ambry Genetics
Classification: Uncertain significance for Cardiovascular phenotype. Last evaluated: 2026-04-30. Review status: criteria provided, single submitter. Criteria: Ambry Variant Classification Scheme 2023. Collection method: clinical testing. Allele origin: germline.
Comment: The p.R975L variant (also known as c.2924G>T), located in coding exon 19 of the VCL gene, results from a G to T substitution at nucleotide position 2924. The arginine at codon 975 is replaced by leucine, an amino acid with dissimilar properties. This amino acid position is conserved. In addition, this alteration is predicted to be tolerated by in silico analysis. Based on the available evidence, the clinical significance of this variant remains unclear.

Labcorp Genetics (formerly Invitae), Labcorp
Classification: Uncertain significance for Dilated cardiomyopathy 1W. Last evaluated: 2023-12-01. Review status: criteria provided, single submitter. Criteria: Invitae Variant Classification Sherloc (09022015). Collection method: clinical testing. Allele origin: germline.
Comment: This sequence change replaces arginine, which is basic and polar, with leucine, which is neutral and non-polar, at codon 975 of the VCL protein (p.Arg975Leu). This variant is present in population databases (rs767325003, gnomAD 0.003%). This variant has not been reported in the literature in individuals affected with VCL-related conditions. ClinVar contains an entry for this variant (Variation ID: 1515621). An algorithm developed to predict the effect of missense changes on protein structure and function (PolyPhen-2) suggests that this variant¬†is likely to be tolerated. In summary, the available evidence is currently insufficient to determine the role of this variant in disease. Therefore, it has been classified as a Variant of Uncertain Significance.